The following is an entry in ClinVar:

ClinVar aggregate classification (germline): Pathogenic. Review status: criteria provided, multiple submitters, no conflicts (2 of 4 stars). 12 submissions from 12 submitters: Pathogenic (12). Last evaluated 2026-05-14.

Conditions:
Leber congenital amaurosis (LCA). Also called: Leber's amaurosis. Identifiers: Orphanet 65, MedGen C0339527, MeSH D057130, MONDO:0018998.
Senior-Loken syndrome 6 (SLSN6). Identifiers: Orphanet 3156, MedGen C1857779, MONDO:0012433, OMIM 610189.
Joubert syndrome 5 (JBTS5). Identifiers: Orphanet 2318, MedGen C1857780, MONDO:0012432, OMIM 610188.
Meckel syndrome, type 4 (MKS4). Also called: MECKEL-GRUBER SYNDROME, TYPE 4. Identifiers: Orphanet 564, MedGen C1970161, MONDO:0012626, OMIM 611134.
CEP290-related ciliopathy. Also called: CEP290 ciliopathy. Identifiers: MedGen CN305601, MONDO:0100451.
CEP290-related disorder. Also called: CEP290-related disorders; CEP290-related condition. Identifiers: MedGen CN239314.
Nephronophthisis. Also called: Juvenile Nephronophthisis. Identifiers: Orphanet 655, MedGen C0687120, MONDO:0019005, HP:0000090.
Joubert syndrome. Also called: Familial aplasia of the vermis; JOUBERT-BOLTSHAUSER SYNDROME. Identifiers: Orphanet 475, MedGen C5979921, MONDO:0018772.
Meckel-Gruber syndrome. Also called: DYSENCEPHALIA SPLANCHNOCYSTICA; Dysencephalia splachnocystica; GRUBER SYNDROME. Identifiers: Orphanet 564, MedGen C0265215, MONDO:0018921.
Bardet-Biedl syndrome 14 (BBS14). Identifiers: Orphanet 110, MedGen C2673874, MONDO:0014442, OMIM 615991.
Leber congenital amaurosis 10 (LCA10). Identifiers: Orphanet 65, MedGen C1857821, MONDO:0012723, OMIM 611755.

Allele frequency attached by ClinVar (database versions not stated): gnomAD exomes 0.00001 and 0.00003; ExAC 0.00002; TOPMed 0.00001.
gnomAD v4.1: 18 of 1,590,492 alleles (0.0011%); highest among the groups gnomAD compares: African/African-American, 0.0027%; no homozygotes.

Submissions (12):

PreventionGenetics, part of Exact Sciences
Classification: Pathogenic for CEP290-related condition. Last evaluated: 2026-05-14. Review status: criteria provided, single submitter. Criteria: ACMG Guidelines, 2015. Collection method: clinical testing. Allele origin: germline.
Comment: The CEP290 c.5344C>T variant is predicted to result in premature protein termination (p.Arg1782*). This variant has been reported in individuals with Leber congenital amaurosis (Coppieters et al. 2010. PubMed ID: 20683928; Bachmann-Gagescu et al. 2015. PubMed ID: 26092869) and Joubert syndrome (Fleming et al. 2017. PubMed ID: 29146704). This variant is reported in 0.0088% of alleles in individuals of African descent in gnomAD. Nonsense variants in CEP290 are expected to be pathogenic. This variant is interpreted as pathogenic.

Natera, Inc.
Classification: Pathogenic for Leber congenital amaurosis. Last evaluated: 2025-08-04. Review status: criteria provided, single submitter. Criteria: Natera Variant Classification Schema (03/2026). Collection method: clinical testing. Allele origin: germline.
Comment: The c.5344C>T variant in CEP290 is a nonsense variant predicted to introduce a stop codon at amino acid 1782. This variant is expected to result in nonsense mediated decay, truncation, or a dysfunctional protein product. This variant is rare in the general population with a frequency below the threshold expected for the associated phenotype(s). This variant has been observed in one or more individuals affected with the associated recessive disease, as either homozygous or compound heterozygous with a second variant (PMID: 23847139). Given the available evidence, this variant is classified as Pathogenic.

Department of Molecular Genetics, Istishari Arab Hospital
Classification: Pathogenic for Meckel syndrome, type 4. Last evaluated: 2025-07-23. Review status: criteria provided, single submitter. Criteria: ACMG Guidelines, 2015. Collection method: clinical testing. Allele origin: germline. Inheritance: Autosomal recessive inheritance. Affected: yes.
Comment: The CEP290 variant c.5344C>T p.(Arg1782*) creates a premature stop codon. According to HGMD Professional 2022.4, this variant has previously been described as disease causing by Coppieters et al., 2010 (PMID: 20683928), Xiong et al., 2015 (PMID: 25525159), Bachmann-Gagescu et al., 2015 (PMID: 26092869). It is classified as pathogenic (class 1) according to the recommendations of ACMG/AMP/ClinGen SVI guidelines.

Myriad Genetics, Inc.
Classification: Pathogenic for CEP290-related ciliopathy. Last evaluated: 2024-07-21. Review status: criteria provided, single submitter. Criteria: Myriad Autosomal Dominant, Autosomal Recessive and X-Linked Classification Criteria (2023). Collection method: clinical testing. Allele origin: unknown.
Comment: NM_025114.3(CEP290):c.5344C>T(R1782*) is expected to be pathogenic in the context of CEP290-related disorders. This variant is predicted to lead to an abnormal or absent protein product due to the creation of a premature termination codon in CEP290, a gene where loss-of-function variants are known to be pathogenic. Please note: this variant was assessed in the context of healthy population screening.

Labcorp Genetics (formerly Invitae), Labcorp
Classification: Pathogenic for Joubert syndrome; Meckel-Gruber syndrome; Nephronophthisis. Last evaluated: 2024-03-24. Review status: criteria provided, single submitter. Criteria: Invitae Variant Classification Sherloc (09022015). Collection method: clinical testing. Allele origin: germline.
Comment: This sequence change creates a premature translational stop signal (p.Arg1782*) in the CEP290 gene. It is expected to result in an absent or disrupted protein product. Loss-of-function variants in CEP290 are known to be pathogenic (PMID: 16909394, 17345604, 20690115). This variant is present in population databases (rs575767207, gnomAD 0.009%). This premature translational stop signal has been observed in individuals with CEP290-related conditions (PMID: 20683928, 29146704). ClinVar contains an entry for this variant (Variation ID: 217636). For these reasons, this variant has been classified as Pathogenic.

Baylor Genetics
Classification: Pathogenic for Bardet-Biedl syndrome 14. Last evaluated: 2024-01-03. Review status: criteria provided, single submitter. Criteria: ACMG Guidelines, 2015. Collection method: clinical testing. Allele origin: unknown.

Department of Pathology and Laboratory Medicine, Sinai Health System
Classification: Pathogenic for Senior-Loken syndrome 6; Joubert syndrome 5. Last evaluated: 2023-08-23. Review status: criteria provided, single submitter. Criteria: ACMG Guidelines, 2015. Collection method: research. Allele origin: germline.

Blueprint Genetics
Classification: Pathogenic for CEP290-related disorders. Last evaluated: 2019-06-30. Review status: criteria provided, single submitter. Criteria: ACMG Guidelines, 2015. Collection method: clinical testing. Allele origin: germline. Affected: yes. Observed: 2 variant alleles.

Genomic Research Center, Shahid Beheshti University of Medical Sciences
Classification: Pathogenic for Joubert syndrome 5. Last evaluated: 2019-01-01. Review status: criteria provided, single submitter. Criteria: ACMG Guidelines, 2015. Collection method: clinical testing. Allele origin: inherited. Affected: yes. Observed: 1 variant allele.

Fulgent Genetics
Classification: Pathogenic for Joubert syndrome 5; Senior-Loken syndrome 6; Meckel syndrome, type 4; Leber congenital amaurosis 10; Bardet-Biedl syndrome 14. Last evaluated: 2018-10-31. Review status: criteria provided, single submitter. Criteria: ACMG Guidelines, 2015. Collection method: clinical testing. Allele origin: unknown.

UW Hindbrain Malformation Research Program, University of Washington
Classification: Pathogenic for Joubert syndrome 5. Last evaluated: 2015-02-23. Review status: criteria provided, single submitter. Criteria: Bachmann-Gagescu et al. (J Med Genet. 2015). Collection method: research. Allele origin: unknown. Affected: yes.

GeneDx
Classification: Pathogenic. Last evaluated: 2014-06-25. Review status: criteria provided, single submitter. Criteria: GeneDx Variant Classification (06012015). Collection method: clinical testing. Allele origin: germline. Affected: yes.
Comment: The R1782X nonsense variant in the CEP290 gene has been reported previously in association with Leber congenital amaurosis (LCA) (Coppieters et al., 2010). This variant is predicted to cause loss of normal protein function either through protein truncation or nonsense-mediated mRNA decay.

Literature cited by the submitters: PubMed 23847139 (cited by Natera, Inc.); PubMed 20683928 (cited by Department of Molecular Genetics, Istishari Arab Hospital and Labcorp Genetics (formerly Invitae), Labcorp); PubMed 25525159 (cited by Department of Molecular Genetics, Istishari Arab Hospital); PubMed 26092869 (cited by Department of Molecular Genetics, Istishari Arab Hospital); PubMed 16909394 (cited by Labcorp Genetics (formerly Invitae), Labcorp); PubMed 17345604 (cited by Labcorp Genetics (formerly Invitae), Labcorp); PubMed 20690115 (cited by Labcorp Genetics (formerly Invitae), Labcorp); PubMed 29146704 (cited by Labcorp Genetics (formerly Invitae), Labcorp).

NM_025114.4(CEP290):c.5344C>T (p.Arg1782Ter)

Gene: CEP290 (centrosomal protein 290; minus strand). Cytogenetic location: 12q21.32.
Variant type: single nucleotide variant.
Coding change: c.5344C>T on transcript NM_025114.4 (MANE Select); coding-DNA position 5344, C replaced by T.
Protein change: p.Arg1782Ter; replaces arginine 1782 with a stop codon.
Molecular consequence: nonsense.
Genome position (GRCh38, 1-based): chr12:88,079,112, G>A on the plus strand (C>T on the coding strand, the complement: CEP290 is on the minus strand). VCF-style: chr12-88079112-G-A. GRCh37 (hg19) VCF-style: chr12-88472889-G-A.
Other names: p.(Arg1782*); short protein forms R1782*.
Identifiers: ClinVar variation 217636 (VCV000217636.24), dbSNP rs575767207, ClinGen allele CA277810.